The following is an entry in ClinVar:

NM_001378454.1(ALMS1):c.8446G>T (p.Asp2816Tyr)

Gene: ALMS1 (ALMS1 centrosome and basal body associated protein; plus strand). Cytogenetic location: 2p13.1.
Variant type: single nucleotide variant.
Coding change: c.8446G>T on transcript NM_001378454.1 (MANE Select); coding-DNA position 8446, G replaced by T.
Protein change: p.Asp2816Tyr; replaces aspartic acid 2816 with tyrosine.
Molecular consequence: missense variant.
Genome position (GRCh38, 1-based): chr2:73,490,405, G>T. VCF-style: chr2-73490405-G-T. GRCh37 (hg19) VCF-style: chr2-73717532-G-T.
Other names: c.8449G>T, p.Asp2817Tyr (NM_015120.4); short protein forms D2816Y, D2817Y.
Identifiers: ClinVar variation 2155061 (VCV002155061.3), dbSNP rs1195067720, ClinGen allele CA347268916.

ClinVar aggregate classification (germline): Uncertain significance. Review status: criteria provided, multiple submitters, no conflicts (2 of 4 stars). 2 submissions from 2 submitters: Uncertain significance (2). Last evaluated 2026-07-09.

Conditions:
Cardiovascular phenotype. Identifiers: MedGen CN230736.
Alstrom syndrome (ALMS). Identifiers: Orphanet 64, MedGen C0268425, MONDO:0008763, OMIM 203800.

Allele frequency attached by ClinVar (database versions not stated): gnomAD 0.00001.
gnomAD v4.1: 14 of 1,614,000 alleles (0.00087%); highest among the groups gnomAD compares: Admixed American, 0.0017%; no homozygotes.

Submissions (2):

Ambry Genetics
Classification: Uncertain significance for Cardiovascular phenotype. Last evaluated: 2026-07-09. Review status: criteria provided, single submitter. Criteria: Ambry Variant Classification Scheme 2023. Collection method: clinical testing. Allele origin: germline.
Comment: The p.D2817Y variant (also known as c.8449G>T), located in coding exon 10 of the ALMS1 gene, results from a G to T substitution at nucleotide position 8449. The aspartic acid at codon 2817 is replaced by tyrosine, an amino acid with highly dissimilar properties. This amino acid position is not well conserved in available vertebrate species. In addition, this alteration is predicted to be tolerated by in silico analysis. Based on the available evidence, the clinical significance of this variant remains unclear.

Labcorp Genetics (formerly Invitae), Labcorp
Classification: Uncertain significance for Alstrom syndrome. Last evaluated: 2023-04-05. Review status: criteria provided, single submitter. Criteria: Invitae Variant Classification Sherloc (09022015). Collection method: clinical testing. Allele origin: germline.
Comment: In summary, the available evidence is currently insufficient to determine the role of this variant in disease. Therefore, it has been classified as a Variant of Uncertain Significance. Experimental studies and prediction algorithms are not available or were not evaluated, and the functional significance of this variant is currently unknown. ClinVar contains an entry for this variant (Variation ID: 2155061). This variant has not been reported in the literature in individuals affected with ALMS1-related conditions. This variant is present in population databases (no rsID available, gnomAD 0.003%). This sequence change replaces aspartic acid, which is acidic and polar, with tyrosine, which is neutral and polar, at codon 2817 of the ALMS1 protein (p.Asp2817Tyr).